The following is an entry in ClinVar:

ClinVar aggregate classification (germline): Uncertain significance (1 of 4 stars; one submission).

Conditions:
RASopathy. Also called: rasopathies; Noonan spectrum disorder. Identifiers: Orphanet 536391, MedGen C5555857, MONDO:0021060.

gnomAD v4.1: 1 of 1,608,206 alleles (0.000062%); highest among the groups gnomAD compares: African/African-American, 0.0013%; no homozygotes.

Submission:

Labcorp Genetics (formerly Invitae), Labcorp
Classification: Uncertain significance for RASopathy. Last evaluated: 2025-11-28. Review status: criteria provided, single submitter. Criteria: Invitae Variant Classification Sherloc (09022015). Collection method: clinical testing. Allele origin: germline.
Comment: This sequence change falls in intron 3 of the NRAS gene. It does not directly change the encoded amino acid sequence of the NRAS protein. It affects a nucleotide within the consensus splice site. This variant is not present in population databases (gnomAD no frequency). This variant has not been reported in the literature in individuals affected with NRAS-related conditions. Variants that disrupt the consensus splice site are a relatively common cause of aberrant splicing (PMID: 17576681, 9536098). Algorithms developed to predict the effect of sequence changes on RNA splicing suggest that this variant is not likely to affect RNA splicing. In summary, the available evidence is currently insufficient to determine the role of this variant in disease. Therefore, it has been classified as a Variant of Uncertain Significance.

Literature cited by the submitters: PubMed 17576681; PubMed 9536098.

NM_002524.5(NRAS):c.291-3T>A

Gene: NRAS (NRAS proto-oncogene, GTPase; minus strand). Cytogenetic location: 1p13.2.
Variant type: single nucleotide variant.
Coding change: c.291-3T>A on transcript NM_002524.5 (MANE Select); 3 bases into the intron before coding-DNA position 291, T replaced by A.
Molecular consequence: intron variant.
Genome position (GRCh38, 1-based): chr1:114,709,731, A>T on the plus strand (T>A on the coding strand, the complement: NRAS is on the minus strand). VCF-style: chr1-114709731-A-T. GRCh37 (hg19) VCF-style: chr1-115252352-A-T.
Identifiers: ClinVar variation 4739186 (VCV004739186.1).
Genomic context (GRCh38, chr1:114,709,731, plus strand): 5'-GTTTCCCACTAGCACCATAGGTACATCATCCGAGTCTTTTACTCGCTTAATCTGCTCCCT[A>T]AAAACGGGAATATATTATCAGAACATAAGAAAAACAAGATTAGGCTGGGTACAGTGGCTC-3'